The following is an entry in ClinVar:

ClinVar aggregate classification (germline): Pathogenic/Likely pathogenic. Review status: criteria provided, multiple submitters, no conflicts (2 of 4 stars). 2 submissions from 2 submitters: Pathogenic (1); Likely pathogenic (1). Last evaluated 2024-07-04.

Conditions:
ALG1-congenital disorder of glycosylation. Also called: CONGENITAL DISORDER OF GLYCOSYLATION, TYPE Ik; CDG Ik; ALG1-CDG. Identifiers: Orphanet 79327, MedGen C2931005, MONDO:0012052, OMIM 608540.
ALG1-related disorder. Also called: ALG1-related condition.

Allele frequency attached by ClinVar (database versions not stated): gnomAD exomes below 0.00001; ExAC 0.00001; gnomAD 0.00001.
gnomAD v4.1: 5 of 1,611,916 alleles (0.00031%); highest among the groups gnomAD compares: Non-Finnish European, 0.00042%; no homozygotes.

Submissions (2):

Blueprint Genetics
Classification: Likely pathogenic for ALG1-related disorders. Last evaluated: 2024-07-04. Review status: criteria provided, single submitter. Criteria: ACMG Guidelines, 2015. Collection method: clinical testing. Allele origin: germline. Affected: yes. Observed: 2 variant alleles.

Labcorp Genetics (formerly Invitae), Labcorp
Classification: Pathogenic for ALG1-congenital disorder of glycosylation. Last evaluated: 2023-12-19. Review status: criteria provided, single submitter. Criteria: Invitae Variant Classification Sherloc (09022015). Collection method: clinical testing. Allele origin: germline.
Comment: This sequence change creates a premature translational stop signal (p.Cys365*) in the ALG1 gene. It is expected to result in an absent or disrupted protein product. Loss-of-function variants in ALG1 are known to be pathogenic (PMID: 20679665, 23806237). This variant is not present in population databases (gnomAD no frequency). This variant has not been reported in the literature in individuals affected with ALG1-related conditions. For these reasons, this variant has been classified as Pathogenic.

Literature cited by the submitters: PubMed 20679665 (cited by Labcorp Genetics (formerly Invitae), Labcorp); PubMed 23806237 (cited by Labcorp Genetics (formerly Invitae), Labcorp).

NM_019109.5(ALG1):c.1095T>A (p.Cys365Ter)

Gene: ALG1 (ALG1 chitobiosyldiphosphodolichol beta-mannosyltransferase; plus strand). Cytogenetic location: 16p13.3.
Variant type: single nucleotide variant.
Coding change: c.1095T>A on transcript NM_019109.5 (MANE Select); coding-DNA position 1095, T replaced by A.
Protein change: p.Cys365Ter; replaces cysteine 365 with a stop codon.
Molecular consequence: nonsense.
Genome position (GRCh38, 1-based): chr16:5,082,581, T>A. VCF-style: chr16-5082581-T-A. GRCh37 (hg19) VCF-style: chr16-5132582-T-A.
Other names: c.762T>A, p.Cys254Ter (NM_001330504.2); short protein forms C254*, C365*.
Identifiers: ClinVar variation 2984991 (VCV002984991.4), dbSNP rs776264264, ClinGen allele CA7890228.
Genomic context (GRCh38, chr16:5,082,581, plus strand): 5'-AGAGACCAGTGCTCTGACCCACCCCTCTTGCCTAGCAGGGTCGGCGGACCTGGGTGTCTG[T>A]CTGCACACGTCCTCCAGTGGCCTGGACCTGCCCATGAAGGTGGTGGACATGTTCGGGTGC-3'